The following is an entry in ClinVar:

ClinVar aggregate classification (germline): Benign (1 of 4 stars; one submission).

Conditions:
Melanoma-pancreatic cancer syndrome. Identifiers: Orphanet 404560, MedGen C1838547, MONDO:0011713, OMIM 606719. Disease mechanism: loss of function.

gnomAD v4.1: 475 of 1,585,698 alleles (0.03%); highest among the groups gnomAD compares: African/African-American, 0.51%; no homozygotes.

Submission:

Myriad Genetics, Inc.
Classification: Benign for Melanoma-pancreatic cancer syndrome. Last evaluated: 2025-08-18. Review status: criteria provided, single submitter. Criteria: Myriad Autosomal Dominant, Autosomal Recessive and X-Linked Classification Criteria (2023). Collection method: clinical testing. Allele origin: unknown.
Comment: This variant is considered benign. This variant is intronic and is not expected to impact mRNA splicing.

NM_000077.5(CDKN2A):c.458-62G>A

Gene: CDKN2A (cyclin dependent kinase inhibitor 2A; minus strand). Cytogenetic location: 9p21.3.
Variant type: single nucleotide variant.
Coding change: c.458-62G>A on transcript NM_000077.5 (MANE Select); 62 bases into the intron before coding-DNA position 458, G replaced by A.
Molecular consequence: intron variant.
Genome position (GRCh38, 1-based): chr9:21,968,304, C>T on the plus strand (G>A on the coding strand, the complement: CDKN2A is on the minus strand). VCF-style: chr9-21968304-C-T. GRCh37 (hg19) VCF-style: chr9-21968303-C-T.
Other names: c.305-62G>A (NM_001363763.2); c.*102-62G>A (NM_058195.4); c.*151-62G>A (NM_001195132.2); c.*381-62G>A (NM_058197.5).
Identifiers: ClinVar variation 4294288 (VCV004294288.1).